The following is an entry in ClinVar:

ClinVar aggregate classification (germline): Uncertain significance. Review status: criteria provided, multiple submitters, no conflicts (2 of 4 stars). 2 submissions from 2 submitters: Uncertain significance (2). Last evaluated 2025-06-17.

Conditions:
Inborn genetic diseases. Identifiers: MedGen C0950123, MeSH D030342.

Submissions (2):

Ambry Genetics
Classification: Uncertain significance for Inborn genetic diseases. Last evaluated: 2025-06-17. Review status: criteria provided, single submitter. Criteria: Ambry Variant Classification Scheme 2023. Collection method: clinical testing. Allele origin: germline.
Comment: The p.P35S variant (also known as c.103C>T), located in coding exon 1 of the FANCM gene, results from a C to T substitution at nucleotide position 103. The proline at codon 35 is replaced by serine, an amino acid with similar properties. This amino acid position is conserved. In addition, this alteration is predicted to be tolerated by in silico analysis. Based on the available evidence, the clinical significance of this variant remains unclear.

Institute for Clinical Genetics, University Hospital TU Dresden, University Hospital TU Dresden
Classification: Uncertain significance. Last evaluated: 2021-11-03. Review status: criteria provided, single submitter. Criteria: ACMG Guidelines, 2015. Collection method: clinical testing. Allele origin: germline.

NM_020937.4(FANCM):c.103C>T (p.Pro35Ser)

Gene: FANCM (FA complementation group M; plus strand). Cytogenetic location: 14q21.2.
Variant type: single nucleotide variant.
Coding change: c.103C>T on transcript NM_020937.4 (MANE Select); coding-DNA position 103, C replaced by T.
Protein change: p.Pro35Ser; replaces proline 35 with serine.
Molecular consequence: missense variant.
Genome position (GRCh38, 1-based): chr14:45,136,134, C>T. VCF-style: chr14-45136134-C-T. GRCh37 (hg19) VCF-style: chr14-45605337-C-T.
Other names: c.103C>T, p.Pro35Ser (NM_001308133.2, NM_001308134.2); short protein forms P35S.
Identifiers: ClinVar variation 1319690 (VCV001319690.4), dbSNP rs2139100124, ClinGen allele CA389586969.